The following is an entry in ClinVar:

NM_182641.4(BPTF):c.6406C>T (p.Gln2136Ter)

Gene: BPTF (bromodomain PHD finger transcription factor; plus strand). Cytogenetic location: 17q24.2.
Variant type: single nucleotide variant.
Coding change: c.6406C>T on transcript NM_182641.4 (MANE Select); coding-DNA position 6406, C replaced by T.
Protein change: p.Gln2136Ter; replaces glutamine 2136 with a stop codon.
Molecular consequence: nonsense.
Genome position (GRCh38, 1-based): chr17:67,940,585, C>T. VCF-style: chr17-67940585-C-T. GRCh37 (hg19) VCF-style: chr17-65936701-C-T.
Other names: c.6595C>T, p.Gln2199Ter (NM_001439139.1, NM_001439143.1, NM_001439144.1); c.6784C>T, p.Gln2262Ter (NM_001439140.1, NM_001439142.1, NM_004459.7); c.6757C>T, p.Gln2253Ter (NM_001439141.1); short protein forms Q2136*, Q2199*, Q2253*, Q2262*.
Identifiers: ClinVar variation 4282445 (VCV004282445.1).

ClinVar aggregate classification (germline): Likely pathogenic (1 of 4 stars; one submission).

Submission:

GeneDx
Classification: Likely pathogenic. Last evaluated: 2025-04-11. Review status: criteria provided, single submitter. Criteria: GeneDx Variant Classification Process June 2021. Collection method: clinical testing. Allele origin: germline. Affected: yes.
Comment: Nonsense variant predicted to result in protein truncation or nonsense mediated decay in a gene for which loss of function is a known mechanism of disease; Not observed at significant frequency in large population cohorts (gnomAD); Has not been previously published as pathogenic or benign to our knowledge